The following is an entry in ClinVar:

NM_023036.6(DNAI2):c.1644C>T (p.Ala548=)

Gene: DNAI2 (dynein axonemal intermediate chain 2; plus strand). Cytogenetic location: 17q25.1.
Variant type: single nucleotide variant.
Coding change: c.1644C>T on transcript NM_023036.6 (MANE Select); coding-DNA position 1644, C replaced by T.
Protein change: p.Ala548=; no amino-acid change (alanine 548 retained).
Molecular consequence: synonymous variant.
Genome position (GRCh38, 1-based): chr17:74,312,152, C>T. VCF-style: chr17-74312152-C-T. GRCh37 (hg19) VCF-style: chr17-72308291-C-T.
Other names: c.1608C>T, p.Ala536= (NM_001172810.3); c.1644C>T, p.Ala548= (NM_001353167.2).
Identifiers: ClinVar variation 241452 (VCV000241452.50), dbSNP rs9908476, ClinGen allele CA8745853.
Genomic context (GRCh38, chr17:74,312,152, plus strand): 5'-GGATGAGGAGCAGACCGATGAGGAGCTGGCCGTAGACCTGGAGGCGCTGGTCAGCAAGGC[C>T]GAGGAGGAGTTCTTCGACATCATCTTCGCAGAGCTGAAGAAGAAGGAGGCAGACGCCATA-3'
Protein context (NP_075462.3, residues 538-558): AVDLEALVSK[Ala548=]EEEFFDIIFA

ClinVar aggregate classification (germline): Conflicting classifications of pathogenicity. Review status: criteria provided, conflicting classifications (1 of 4 stars). 8 submissions from 8 submitters: Uncertain significance (1); Benign (2); Likely benign (3). 2 of the submissions do not count toward it. Last evaluated 2025-12-01.

Conditions:
DNAI2-related disorder. Also called: DNAI2-related condition.
Primary ciliary dyskinesia 9. Also called: CILIARY DYSKINESIA, PRIMARY, 9, WITH OR WITHOUT SITUS INVERSUS. Identifiers: Orphanet 244, MedGen C2676235, MONDO:0012906, OMIM 612444.
Primary ciliary dyskinesia. Also called: Ciliary dyskinesia. Identifiers: Orphanet 244, MedGen C0008780, MONDO:0016575, HP:0012265.

Allele frequency attached by ClinVar (database versions not stated): 1000 Genomes Project 30x 0.00031.
gnomAD v4.1: 449 of 1,612,580 alleles (0.028%); highest among the groups gnomAD compares: Non-Finnish European, 0.027%; no homozygotes.

Submissions (8):

Labcorp Genetics (formerly Invitae), Labcorp
Classification: Benign for Primary ciliary dyskinesia. Last evaluated: 2025-12-01. Review status: criteria provided, single submitter. Criteria: Invitae Variant Classification Sherloc (09022015). Collection method: clinical testing. Allele origin: germline.

ARUP Laboratories, Molecular Genetics and Genomics, ARUP Laboratories
Classification: Likely benign for Primary ciliary dyskinesia 9. Last evaluated: 2024-11-04. Review status: criteria provided, single submitter. Criteria: ARUP Molecular Germline Variant Investigation Process 2024. Collection method: clinical testing. Allele origin: germline.

Blueprint Genetics
Classification: Likely benign. Last evaluated: 2024-10-15. Review status: criteria provided, single submitter. Criteria: ACMG Guidelines, 2015. Collection method: clinical testing. Allele origin: germline.

CeGaT Center for Human Genetics Tuebingen
Classification: Likely benign. Last evaluated: 2022-11-01. Review status: criteria provided, single submitter. Criteria: CeGaT Center For Human Genetics Tuebingen Variant Classification Criteria Version 2. Collection method: clinical testing. Allele origin: germline. Affected: yes. Observed: 1 variant allele.
Comment: DNAI2: BP4, BP7

Ambry Genetics
Classification: Benign for Primary ciliary dyskinesia. Last evaluated: 2019-07-09. Review status: criteria provided, single submitter. Criteria: Ambry Variant Classification Scheme 2023. Collection method: clinical testing. Allele origin: germline.

Illumina Laboratory Services, Illumina
Classification: Uncertain significance for Primary ciliary dyskinesia 9. Last evaluated: 2018-01-13. Review status: criteria provided, single submitter. Criteria: ICSL Variant Classification Criteria 13 December 2019. Collection method: clinical testing. Allele origin: germline.

Natera, Inc.
Classification: Likely benign for Primary ciliary dyskinesia. Last evaluated: 2019-12-12. Review status: no assertion criteria provided. Collection method: clinical testing. Allele origin: germline. Not counted in ClinVar's aggregate classification.

PreventionGenetics, part of Exact Sciences
Classification: Likely benign for DNAI2-related condition. Last evaluated: 2019-02-28. Review status: no assertion criteria provided. Collection method: clinical testing. Allele origin: germline. Not counted in ClinVar's aggregate classification.
Comment: This variant is classified as likely benign based on ACMG/AMP sequence variant interpretation guidelines (Richards et al. 2015 PMID: 25741868, with internal and published modifications).